The following is an entry in ClinVar:

NM_031935.3(HMCN1):c.10363A>G (p.Met3455Val)

Gene: HMCN1 (hemicentin 1; plus strand). Cytogenetic location: 1q31.1.
Variant type: single nucleotide variant.
Coding change: c.10363A>G on transcript NM_031935.3 (MANE Select); coding-DNA position 10363, A replaced by G.
Protein change: p.Met3455Val; replaces methionine 3455 with valine.
Molecular consequence: missense variant.
Genome position (GRCh38, 1-based): chr1:186,095,311, A>G. VCF-style: chr1-186095311-A-G. GRCh37 (hg19) VCF-style: chr1-186064443-A-G.
Other names: short protein forms M3455V.
Identifiers: ClinVar variation 1413852 (VCV001413852.6), dbSNP rs766461506, ClinGen allele CA1293706.

ClinVar aggregate classification (germline): Uncertain significance (1 of 4 stars; one submission).

Allele frequency attached by ClinVar (database versions not stated): ExAC 0.00002.
gnomAD v4.1: 35 of 1,613,678 alleles (0.0022%); highest among the groups gnomAD compares: East Asian, 0.033%; no homozygotes.

Submission:

Labcorp Genetics (formerly Invitae), Labcorp
Classification: Uncertain significance. Last evaluated: 2023-12-11. Review status: criteria provided, single submitter. Criteria: Invitae Variant Classification Sherloc (09022015). Collection method: clinical testing. Allele origin: germline.
Comment: This sequence change replaces methionine, which is neutral and non-polar, with valine, which is neutral and non-polar, at codon 3455 of the HMCN1 protein (p.Met3455Val). This variant is present in population databases (rs766461506, gnomAD 0.05%). This variant has not been reported in the literature in individuals affected with HMCN1-related conditions. ClinVar contains an entry for this variant (Variation ID: 1413852). An algorithm developed to predict the effect of missense changes on protein structure and function (PolyPhen-2) suggests that this variant is likely to be disruptive. In summary, the available evidence is currently insufficient to determine the role of this variant in disease. Therefore, it has been classified as a Variant of Uncertain Significance.